The following is an entry in ClinVar:

NM_004706.4(ARHGEF1):c.1266C>T (p.Ser422=)

Gene: ARHGEF1 (Rho guanine nucleotide exchange factor 1; plus strand). Cytogenetic location: 19q13.2.
Variant type: single nucleotide variant.
Coding change: c.1266C>T on transcript NM_004706.4 (MANE Select); coding-DNA position 1266, C replaced by T.
Protein change: p.Ser422=; no amino-acid change (serine 422 retained).
Molecular consequence: synonymous variant. On other transcripts: non-coding transcript variant (2).
Genome position (GRCh38, 1-based): chr19:41,898,586, C>T. VCF-style: chr19-41898586-C-T. GRCh37 (hg19) VCF-style: chr19-42402735-C-T.
Other names: c.1434C>T, p.Ser478= (NM_001396000.1); c.1167C>T, p.Ser389= (NM_001396002.1, NM_001396004.1, NM_198977.2); c.1266C>T, p.Ser422= (NM_001396003.1, NM_001396006.1); c.1311C>T, p.Ser437= (NM_199002.2).
Identifiers: ClinVar variation 4765713 (VCV004765713.1).

ClinVar aggregate classification (germline): Uncertain significance (1 of 4 stars; one submission).

Submission:

Labcorp Genetics (formerly Invitae), Labcorp
Classification: Uncertain significance. Last evaluated: 2025-05-05. Review status: criteria provided, single submitter. Criteria: Invitae Variant Classification Sherloc (09022015). Collection method: clinical testing. Allele origin: germline.
Comment: This sequence change affects codon 437 of the ARHGEF1 mRNA. It is a 'silent' change, meaning that it does not change the encoded amino acid sequence of the ARHGEF1 protein. It affects a nucleotide within the consensus splice site. The frequency data for this variant in the population databases is considered unreliable, as metrics indicate poor data quality at this position in the gnomAD database. This variant has not been reported in the literature in individuals affected with ARHGEF1-related conditions. Algorithms developed to predict the effect of sequence changes on RNA splicing suggest that this variant is not likely to affect RNA splicing. In summary, the available evidence is currently insufficient to determine the role of this variant in disease. Therefore, it has been classified as a Variant of Uncertain Significance.